The following is an entry in ClinVar:

ClinVar aggregate classification (germline): Uncertain significance (1 of 4 stars; one submission).

Conditions:
Hereditary cancer-predisposing syndrome. Also called: Neoplastic Syndromes, Hereditary; Tumor predisposition; Hereditary Cancer Syndrome; Hereditary neoplastic syndrome. Identifiers: Orphanet 140162, MedGen C0027672, MeSH D009386, MONDO:0015356.

Submission:

Ambry Genetics
Classification: Uncertain significance for Hereditary cancer-predisposing syndrome. Last evaluated: 2024-04-24. Review status: criteria provided, single submitter. Criteria: Ambry Variant Classification Scheme 2023. Collection method: clinical testing. Allele origin: germline.
Comment: The c.8419-7T>G intronic variant results from a T to G substitution 7 nucleotides upstream from coding exon 57 in the ATM gene. This nucleotide position is highly conserved in available vertebrate species. In silico splice site analysis predicts that this alteration will weaken the native splice acceptor site and will result in the creation or strengthening of a novel splice acceptor site. RNA studies have demonstrated that this alteration results in a transcript predicted to lead to a protein with an in-frame insertion of two amino acids; however, the exact functional impact of the inserted amino acid(s) is unknown at this time (Ambry internal data). Based on the available evidence, the clinical significance of this variant remains unclear.

NM_000051.4(ATM):c.8419-7T>G

Genes: ATM (ATM serine/threonine kinase; plus strand), C11orf65 (chromosome 11 open reading frame 65; minus strand). Cytogenetic location: 11q22.3.
Variant type: single nucleotide variant.
Coding change: c.8419-7T>G on transcript NM_000051.4 (MANE Select); 7 bases into the intron before coding-DNA position 8419, T replaced by G.
Molecular consequence: intron variant.
Genome position (GRCh38, 1-based): chr11:108,345,736, T>G. VCF-style: chr11-108345736-T-G. GRCh37 (hg19) VCF-style: chr11-108216463-T-G.
Other names: c.8419-7T>G (NM_001351834.2); c.641-36665A>C (NM_001330368.2); c.695-10444A>C (NM_001351110.2).
Identifiers: ClinVar variation 3325300 (VCV003325300.1).